The following is an entry in ClinVar:

NM_030787.4(CFHR5):c.533dup (p.Asn178fs)

Gene: CFHR5 (complement factor H related 5; plus strand). Cytogenetic location: 1q31.3.
Variant type: Duplication.
Coding change: c.533dup on transcript NM_030787.4 (MANE Select); coding-DNA position 533, one base duplicated (A; older notation c.533dupA).
Protein change: p.Asn178fs; shifts the reading frame from asparagine 178.
Molecular consequence: frameshift variant.
Genome position (GRCh38, 1-based): chr1:196,994,182, A duplicated; the last of 6 consecutive A bases (chr1:196,994,177-196,994,182); duplicating any one gives the same sequence. VCF-style (leftmost placement, unchanged base first): chr1-196994176-G-GA. GRCh37 (hg19) VCF-style: chr1-196963306-G-GA.
Other names: short protein forms N178fs.
Identifiers: ClinVar variation 4752300 (VCV004752300.2).

ClinVar aggregate classification (germline): Uncertain significance. Review status: criteria provided, multiple submitters, no conflicts (2 of 4 stars). 2 submissions from 2 submitters: Uncertain significance (2). Last evaluated 2025-04-26.

Submissions (2):

Labcorp Genetics (formerly Invitae), Labcorp
Classification: Uncertain significance. Last evaluated: 2025-04-26. Review status: criteria provided, single submitter. Criteria: Invitae Variant Classification Sherloc (09022015). Collection method: clinical testing. Allele origin: germline.
Comment: This sequence change creates a premature translational stop signal (p.Asn178Lysfs*20) in the CFHR5 gene. It is expected to result in an absent or disrupted protein product. However, the current clinical and genetic evidence is not sufficient to establish whether loss-of-function variants in CFHR5 cause disease. This variant is present in population databases (rs746586384, gnomAD 0.01%). This variant has not been reported in the literature in individuals affected with CFHR5-related conditions. In summary, the available evidence is currently insufficient to determine the role of this variant in disease. Therefore, it has been classified as a Variant of Uncertain Significance.

Blueprint Genetics
Classification: Uncertain significance. Last evaluated: 2023-05-23. Review status: criteria provided, single submitter. Criteria: ACMG Guidelines, 2015. Collection method: clinical testing. Allele origin: germline.